The following is an entry in ClinVar:

NM_021096.4(CACNA1I):c.1193C>A (p.Ala398Glu)

Gene: CACNA1I (calcium voltage-gated channel subunit alpha1 I; plus strand). Cytogenetic location: 22q13.1.
Variant type: single nucleotide variant.
Coding change: c.1193C>A on transcript NM_021096.4 (MANE Select); coding-DNA position 1193, C replaced by A.
Protein change: p.Ala398Glu; replaces alanine 398 with glutamic acid.
Molecular consequence: missense variant.
Genome position (GRCh38, 1-based): chr22:39,646,612, C>A. VCF-style: chr22-39646612-C-A. GRCh37 (hg19) VCF-style: chr22-40042617-C-A.
Other names: c.1193C>A, p.Ala398Glu (NM_001003406.2); short protein forms A398E.
Identifiers: ClinVar variation 4076681 (VCV004076681.1).
Genomic context (GRCh38, chr22:39,646,612, plus strand): 5'-CCTCCCGTTGGTCACAGGTGGGCTCCTTCTTCATGATCAACCTGTGCCTCGTTGTCATAG[C>A]GACCCAGTTCTCGGAGACCAAGCAACGGGAGCACCGGCTGATGCTGGAGCAGCGGCAGCG-3'
Protein context (NP_066919.2, residues 388-408): FMINLCLVVI[Ala398Glu]TQFSETKQRE

ClinVar aggregate classification (germline): Uncertain significance (1 of 4 stars; one submission).

gnomAD v4.1: 1 of 1,570,412 alleles (0.000064%); highest among the groups gnomAD compares: Non-Finnish European, 0.000086%; no homozygotes.

Submission:

GeneDx
Classification: Uncertain significance. Last evaluated: 2025-02-20. Review status: criteria provided, single submitter. Criteria: GeneDx Variant Classification Process June 2021. Collection method: clinical testing. Allele origin: germline. Affected: yes.
Comment: Has not been previously reported in peer-reviewed literature as pathogenic or benign to our knowledge. However, in an abstract by El Ghaleb et al. (2023), this variant was reported as de novo in an individual with seizures, severe intellectual disability, hypotonia, and developmental delay (El Ghaleb et al., 2023) El Ghaleb Y et al. (2023) Biophysical Journal. 122 (3):107a (22)01679-4; Not observed at significant frequency in large population cohorts (gnomAD); In silico analysis supports that this missense variant has a deleterious effect on protein structure/function; This variant is associated with the following publications: (PMID: El_Ghaleb_2023[casereport])